The following is an entry in ClinVar:

ClinVar aggregate classification (germline): Uncertain significance. Review status: criteria provided, multiple submitters, no conflicts (2 of 4 stars). 3 submissions from 3 submitters: Uncertain significance (3). Last evaluated 2023-12-19.

Conditions:
Inborn genetic diseases. Identifiers: MedGen C0950123, MeSH D030342.

Allele frequency attached by ClinVar (database versions not stated): gnomAD exomes 0.00003 and 0.00006; ExAC 0.00005; TOPMed 0.00007; gnomAD 0.00010 and 0.00011; 1000 Genomes Project 30x 0.00016; 1000 Genomes Project 0.00020.
gnomAD v4.1: 61 of 1,612,528 alleles (0.0038%); highest among the groups gnomAD compares: Middle Eastern, 0.05%; no homozygotes.

Submissions (3):

Labcorp Genetics (formerly Invitae), Labcorp
Classification: Uncertain significance. Last evaluated: 2023-12-19. Review status: criteria provided, single submitter. Criteria: Invitae Variant Classification Sherloc (09022015). Collection method: clinical testing. Allele origin: germline.
Comment: This sequence change replaces arginine, which is basic and polar, with glutamine, which is neutral and polar, at codon 574 of the POP1 protein (p.Arg574Gln). This variant is present in population databases (rs201155672, gnomAD 0.01%). This variant has not been reported in the literature in individuals affected with POP1-related conditions. ClinVar contains an entry for this variant (Variation ID: 1410796). Algorithms developed to predict the effect of missense changes on protein structure and function output the following: SIFT: "Not Available"; PolyPhen-2: "Benign"; Align-GVGD: "Not Available". The glutamine amino acid residue is found in multiple mammalian species, which suggests that this missense change does not adversely affect protein function. Algorithms developed to predict the effect of sequence changes on RNA splicing suggest that this variant may disrupt the consensus splice site. In summary, the available evidence is currently insufficient to determine the role of this variant in disease. Therefore, it has been classified as a Variant of Uncertain Significance.

Blueprint Genetics
Classification: Uncertain significance. Last evaluated: 2023-09-18. Review status: criteria provided, single submitter. Criteria: ACMG Guidelines, 2015. Collection method: clinical testing. Allele origin: germline.

Ambry Genetics
Classification: Uncertain significance for Inborn genetic diseases. Last evaluated: 2021-10-22. Review status: criteria provided, single submitter. Criteria: Ambry Variant Classification Scheme 2023. Collection method: clinical testing. Allele origin: germline.

NM_001145860.2(POP1):c.1721G>A (p.Arg574Gln)

Gene: POP1 (POP1 ribonuclease P/MRP subunit; plus strand). Cytogenetic location: 8q22.2.
Variant type: single nucleotide variant.
Coding change: c.1721G>A on transcript NM_001145860.2 (MANE Select); coding-DNA position 1721, G replaced by A.
Protein change: p.Arg574Gln; replaces arginine 574 with glutamine.
Molecular consequence: missense variant.
Genome position (GRCh38, 1-based): chr8:98,148,825, G>A. VCF-style: chr8-98148825-G-A. GRCh37 (hg19) VCF-style: chr8-99161053-G-A.
Other names: c.1721G>A, p.Arg574Gln (NM_001145861.2, NM_015029.3); c.1721G>A (NM_015029.2); short protein forms R574Q.
Identifiers: ClinVar variation 1410796 (VCV001410796.6), dbSNP rs201155672, ClinGen allele CA4820688.
Genomic context (GRCh38, chr8:98,148,825, plus strand): 5'-CTCCCAGAAGACTAGGGCTATTTGTCTTGAATTATTTTCTTCCACTTTAGGATTTAAACC[G>A]GATGAGGAGTGAATTGCTGGTGCCTGGGTCACAGCTTATTTTAGGTCCCCATGAATCCAA-3'
Protein context (NP_001139332.1, residues 564-584): ENKISDQDLN[Arg574Gln]MRSELLVPGS